The following is an entry in ClinVar:

ClinVar aggregate classification (germline): Uncertain significance. Review status: criteria provided, multiple submitters, no conflicts (2 of 4 stars). 2 submissions from 2 submitters: Uncertain significance (2). Last evaluated 2022-10-05.

Allele frequency attached by ClinVar (database versions not stated): gnomAD exomes 0.00004; TOPMed 0.00004; gnomAD 0.00005; ExAC 0.00006.
gnomAD v4.1: 65 of 1,612,650 alleles (0.004%); highest among the groups gnomAD compares: Non-Finnish European, 0.0054%; no homozygotes.

Submissions (2):

Labcorp Genetics (formerly Invitae), Labcorp
Classification: Uncertain significance. Last evaluated: 2022-10-05. Review status: criteria provided, single submitter. Criteria: Invitae Variant Classification Sherloc (09022015). Collection method: clinical testing. Allele origin: germline.
Comment: This sequence change replaces valine, which is neutral and non-polar, with alanine, which is neutral and non-polar, at codon 16 of the PAM16 protein (p.Val16Ala). This variant is present in population databases (rs757446733, gnomAD 0.01%). This variant has not been reported in the literature in individuals affected with PAM16-related conditions. Algorithms developed to predict the effect of missense changes on protein structure and function are either unavailable or do not agree on the potential impact of this missense change (SIFT: "Deleterious"; PolyPhen-2: "Possibly Damaging"; Align-GVGD: "Class C15"). In summary, the available evidence is currently insufficient to determine the role of this variant in disease. Therefore, it has been classified as a Variant of Uncertain Significance.

Ambry Genetics
Classification: Uncertain significance. Last evaluated: 2022-01-10. Review status: criteria provided, single submitter. Criteria: Ambry Variant Classification Scheme 2023. Collection method: clinical testing. Allele origin: germline.

NM_016069.11(PAM16):c.47T>C (p.Val16Ala)

Genes: CORO7-PAM16 (CORO7-PAM16 readthrough; minus strand), PAM16 (presequence translocase associated motor 16; minus strand). Cytogenetic location: 16p13.3.
Variant type: single nucleotide variant.
Coding change: c.47T>C on transcript NM_016069.11 (MANE Select); coding-DNA position 47, T replaced by C.
Protein change: p.Val16Ala; replaces valine 16 with alanine.
Molecular consequence: missense variant.
Genome position (GRCh38, 1-based): chr16:4,343,248, A>G on the plus strand (T>C on the coding strand, the complement: PAM16 is on the minus strand). VCF-style: chr16-4343248-A-G. GRCh37 (hg19) VCF-style: chr16-4393249-A-G.
Other names: c.2816T>C, p.Val939Ala (NM_001201479.2); short protein forms V16A, V939A.
Identifiers: ClinVar variation 2047323 (VCV002047323.2), dbSNP rs757446733, ClinGen allele CA7873500.
Genomic context (GRCh38, chr16:4,343,248, plus strand): 5'-GAGACGGACCCATGCTTACCTGCAAACTCCTGCCGCAAGGCCCGTGCAAAGGCCCTGCCC[A>G]CCACCTGCACGCCCATCACAATGATCTGGGCCAGGTACTTGGCCTGTGGGCAAAGCAGGC-3'
Protein context (NP_057153.8, residues 6-26): AQIIVMGVQV[Val16Ala]GRAFARALRQ